The following is an entry in ClinVar:

ClinVar aggregate classification (germline): Uncertain significance. Review status: criteria provided, multiple submitters, no conflicts (2 of 4 stars). 2 submissions from 2 submitters: Uncertain significance (2). Last evaluated 2026-07-07.

Conditions:
Polyposis syndrome, hereditary mixed, 2. Identifiers: Orphanet 157794, MedGen C1864730, MONDO:0012405, OMIM 610069.
Hereditary cancer-predisposing syndrome. Also called: Neoplastic Syndromes, Hereditary; Tumor predisposition; Hereditary Cancer Syndrome; Hereditary neoplastic syndrome. Identifiers: Orphanet 140162, MedGen C0027672, MeSH D009386, MONDO:0015356.

Allele frequency attached by ClinVar (database versions not stated): gnomAD exomes below 0.00001.
gnomAD v4.1: 1 of 1,613,908 alleles (0.000062%); highest among the groups gnomAD compares: Admixed American, 0.0017%; no homozygotes.

Submissions (2):

Ambry Genetics
Classification: Uncertain significance for Hereditary cancer-predisposing syndrome. Last evaluated: 2026-07-07. Review status: criteria provided, single submitter. Criteria: Ambry Variant Classification Scheme 2023. Collection method: clinical testing. Allele origin: germline.
Comment: The p.P223S variant (also known as c.667C>T), located in coding exon 6 of the BMPR1A gene, results from a C to T substitution at nucleotide position 667. The proline at codon 223 is replaced by serine, an amino acid with similar properties. This amino acid position is conserved. In addition, this alteration is predicted to be deleterious by in silico analysis. Based on the available evidence, the clinical significance of this variant remains unclear.

Baylor Genetics
Classification: Uncertain significance for Polyposis syndrome, hereditary mixed, 2. Last evaluated: 2024-02-11. Review status: criteria provided, single submitter. Criteria: ACMG Guidelines, 2015. Collection method: clinical testing. Allele origin: unknown.

NM_004329.3(BMPR1A):c.667C>T (p.Pro223Ser)

Gene: BMPR1A (bone morphogenetic protein receptor type 1A; plus strand). Cytogenetic location: 10q23.2.
Variant type: single nucleotide variant.
Coding change: c.667C>T on transcript NM_004329.3 (MANE Select); coding-DNA position 667, C replaced by T.
Protein change: p.Pro223Ser; replaces proline 223 with serine.
Molecular consequence: missense variant. On other transcripts: non-coding transcript variant (3), intron variant (1).
Genome position (GRCh38, 1-based): chr10:86,912,376, C>T. VCF-style: chr10-86912376-C-T. GRCh37 (hg19) VCF-style: chr10-88672133-C-T.
Other names: c.742C>T, p.Pro248Ser (NM_001406559.1); c.667C>T, p.Pro223Ser (NM_001406569.1, NM_001406570.1, NM_001406571.1 and 20 more transcripts); c.715C>T, p.Pro239Ser (NM_001406560.1); c.583C>T, p.Pro195Ser (NM_001406584.1, NM_001406585.1, NM_001406586.1 and 2 more transcripts); c.334-4758C>T (NM_001406589.1); short protein forms P195S, P223S, P239S, P248S.
Identifiers: ClinVar variation 3240935 (VCV003240935.2), dbSNP rs1843504441.
Genomic context (GRCh38, chr10:86,912,376, plus strand): 5'-GGAGAATCACTAAAAGACCTTATTGACCAGTCACAAAGTTCTGGTAGTGGGTCTGGACTA[C>T]CTTTATTGGTAAGTTAAACGTTCCTATAGACATGAATGGTGTGTTGATTTAGAATGTGTC-3'
Protein context (NP_004320.2, residues 213-233): SQSSGSGSGL[Pro223Ser]LLVQRTIAKQ